The following is an entry in ClinVar:

ClinVar aggregate classification (germline): Uncertain significance (1 of 4 stars; one submission).

gnomAD v4.1: 15 of 1,613,606 alleles (0.00093%); highest among the groups gnomAD compares: Non-Finnish European, 0.0013%; no homozygotes.

Submission:

Labcorp Genetics (formerly Invitae), Labcorp
Classification: Uncertain significance. Last evaluated: 2025-06-12. Review status: criteria provided, single submitter. Criteria: Invitae Variant Classification Sherloc (09022015). Collection method: clinical testing. Allele origin: germline.
Comment: This sequence change replaces serine, which is neutral and polar, with isoleucine, which is neutral and non-polar, at codon 508 of the ABCA3 protein (p.Ser508Ile). This variant is present in population databases (rs760750138, gnomAD 0.002%). This variant has not been reported in the literature in individuals affected with ABCA3-related conditions. Invitae Evidence Modeling of protein sequence and biophysical properties (such as structural, functional, and spatial information, amino acid conservation, physicochemical variation, residue mobility, and thermodynamic stability) indicates that this missense variant is not expected to disrupt ABCA3 protein function with a negative predictive value of 80%. In summary, the available evidence is currently insufficient to determine the role of this variant in disease. Therefore, it has been classified as a Variant of Uncertain Significance.

NM_001089.3(ABCA3):c.1523G>T (p.Ser508Ile)

Gene: ABCA3 (ATP binding cassette subfamily A member 3; minus strand). Cytogenetic location: 16p13.3.
Variant type: single nucleotide variant.
Coding change: c.1523G>T on transcript NM_001089.3 (MANE Select); coding-DNA position 1523, G replaced by T.
Protein change: p.Ser508Ile; replaces serine 508 with isoleucine.
Molecular consequence: missense variant.
Genome position (GRCh38, 1-based): chr16:2,300,093, C>A on the plus strand (G>T on the coding strand, the complement: ABCA3 is on the minus strand). VCF-style: chr16-2300093-C-A. GRCh37 (hg19) VCF-style: chr16-2350094-C-A.
Other names: short protein forms S508I.
Identifiers: ClinVar variation 4754103 (VCV004754103.1).
Genomic context (GRCh38, chr16:2,300,093, plus strand): 5'-GCCACCAGGTCCTCTGGCTCGGCTTCAAAGTACTCGTTTCTGAGTGCTTTCTCGGGGTCA[C>A]TGTCTTCTTCCTCCTTCCCTGCAACCGCCCTTGGCTTCCCACACCAATAGGAGGGCTGGG-3'
Protein context (NP_001080.2, residues 498-518): RAVAGKEEED[Ser508Ile]DPEKALRNEY